The following is an entry in ClinVar:

ClinVar aggregate classification (germline): Uncertain significance (1 of 4 stars; one submission).

Conditions:
Martsolf syndrome (MARTS). Also called: Congenital cataract with intellectual disability and hypogonadotropic hypogonadism syndrome. Identifiers: Orphanet 1387, MedGen C0796037, MONDO:0023910.
Warburg micro syndrome 2 (WARBM2). Also called: MICRO SYNDROME 2. Identifiers: Orphanet 2510, MedGen C3280214, MONDO:0013641, OMIM 614225.

gnomAD v4.1: 9 of 1,613,938 alleles (0.00056%); highest among the groups gnomAD compares: Admixed American, 0.0033%; no homozygotes.

Submission:

Labcorp Genetics (formerly Invitae), Labcorp
Classification: Uncertain significance for Martsolf syndrome; Warburg micro syndrome 2. Last evaluated: 2025-06-15. Review status: criteria provided, single submitter. Criteria: Invitae Variant Classification Sherloc (09022015). Collection method: clinical testing. Allele origin: germline.
Comment: This sequence change replaces arginine, which is basic and polar, with histidine, which is basic and polar, at codon 420 of the RAB3GAP2 protein (p.Arg420His). This variant is present in population databases (rs571851313, gnomAD 0.003%). This variant has not been reported in the literature in individuals affected with RAB3GAP2-related conditions. Invitae Evidence Modeling of protein sequence and biophysical properties (such as structural, functional, and spatial information, amino acid conservation, physicochemical variation, residue mobility, and thermodynamic stability) indicates that this missense variant is expected to disrupt RAB3GAP2 protein function with a positive predictive value of 80%. In summary, the available evidence is currently insufficient to determine the role of this variant in disease. Therefore, it has been classified as a Variant of Uncertain Significance.

NM_012414.4(RAB3GAP2):c.1259G>A (p.Arg420His)

Gene: RAB3GAP2 (RAB3 GTPase activating non-catalytic protein subunit 2; minus strand). Cytogenetic location: 1q41.
Variant type: single nucleotide variant.
Coding change: c.1259G>A on transcript NM_012414.4 (MANE Select); coding-DNA position 1259, G replaced by A.
Protein change: p.Arg420His; replaces arginine 420 with histidine.
Molecular consequence: missense variant.
Genome position (GRCh38, 1-based): chr1:220,193,251, C>T on the plus strand (G>A on the coding strand, the complement: RAB3GAP2 is on the minus strand). VCF-style: chr1-220193251-C-T. GRCh37 (hg19) VCF-style: chr1-220366593-C-T.
Other names: short protein forms R420H.
Identifiers: ClinVar variation 4793487 (VCV004793487.1).